The following is an entry in ClinVar:

NM_000321.3(RB1):c.384C>G (p.Val128=)

Gene: RB1 (RB transcriptional corepressor 1; plus strand). Cytogenetic location: 13q14.2.
Variant type: single nucleotide variant.
Coding change: c.384C>G on transcript NM_000321.3 (MANE Select); coding-DNA position 384, C replaced by G.
Protein change: p.Val128=; no amino-acid change (valine 128 retained).
Molecular consequence: synonymous variant.
Genome position (GRCh38, 1-based): chr13:48,345,083, C>G. VCF-style: chr13-48345083-C-G. GRCh37 (hg19) VCF-style: chr13-48919219-C-G.
Other names: c.384C>G, p.Val128= (NM_001407165.1, NM_001407166.1).
Identifiers: ClinVar variation 3075392 (VCV003075392.2), dbSNP rs2542159173, ClinGen allele CA483726207.
Genomic context (GRCh38, chr13:48,345,083, plus strand): 5'-AAATAACACAAATTTTTAAGGTTACTGATTTACTTTTTTCTATTCTTTCCTTTGTAGTGT[C>G]CATAAATTCTTTAACTTACTAAAAGAAATTGATACCAGTACCAAAGTTGATAATGCTATG-3'
Protein context (NP_000312.2, residues 118-138): TELQKNIEIS[Val128=]HKFFNLLKEI

ClinVar aggregate classification (germline): Likely benign. Review status: criteria provided, multiple submitters, no conflicts (2 of 4 stars). 2 submissions from 2 submitters: Likely benign (2). Last evaluated 2024-02-05.

Conditions:
Retinoblastoma (RB1). Also called: RETINOBLASTOMA, SOMATIC. Identifiers: Orphanet 790, MedGen C0035335, MeSH D012175, MONDO:0008380, OMIM 180200, HP:0009919. Disease mechanism: loss of function. Inheritance: Both sporadic and heritable forms are tested..

Submissions (2):

All of Us Research Program, National Institutes of Health
Classification: Likely benign for Retinoblastoma. Last evaluated: 2024-02-05. Review status: criteria provided, single submitter. Criteria: ACMG Guidelines, 2015. Collection method: clinical testing. Allele origin: germline. Inheritance: Autosomal dominant inheritance. Observed: 1 variant allele, 1 heterozygote.
Comment: This study involves interpretation of variants in research participants for the purpose of population health screening. Participant phenotype was not available at the time of variant classification. Additional details can be found in publication PMID: 35346344, PMCID: PMC8962531

Color Diagnostics, LLC DBA Color Health
Classification: Likely benign for Retinoblastoma. Last evaluated: 2023-11-22. Review status: criteria provided, single submitter. Criteria: ACMG Guidelines, 2015. Collection method: clinical testing. Allele origin: germline.